The following is an entry in ClinVar:

ClinVar aggregate classification (germline): Benign/Likely benign. Review status: criteria provided, multiple submitters, no conflicts (2 of 4 stars). 8 submissions from 8 submitters: Benign (4); Likely benign (1). 3 of the submissions do not count toward it. Last evaluated 2026-02-03.

Conditions:
Autosomal recessive osteopetrosis 1. Also called: ALBERS-SCHONBERG DISEASE, AUTOSOMAL RECESSIVE; TCIRG1-Related Osteopetrosis; TCIRG1-Related Autosomal Recessive Osteopetrosis. Identifiers: Orphanet 667, MedGen C1850127, MONDO:0009815, OMIM 259700.

Allele frequency attached by ClinVar (database versions not stated): gnomAD exomes 0.00166 and 0.00310; ExAC 0.00310; ESP Exome Variant Server 0.00693; gnomAD 0.00706 and 0.00755; 1000 Genomes Project 0.00759; TOPMed 0.00862; 1000 Genomes Project 30x 0.00953.
gnomAD v4.1: 3,652 of 1,613,486 alleles (0.23%); highest among the groups gnomAD compares: African/African-American, 2.1%; 35 homozygotes.

Submissions (8):

Labcorp Genetics (formerly Invitae), Labcorp
Classification: Benign. Last evaluated: 2026-02-03. Review status: criteria provided, single submitter. Criteria: Invitae Variant Classification Sherloc (09022015). Collection method: clinical testing. Allele origin: germline.

ARUP Laboratories, Molecular Genetics and Genomics, ARUP Laboratories
Classification: Benign for Autosomal recessive osteopetrosis 1. Last evaluated: 2025-07-18. Review status: criteria provided, single submitter. Criteria: ARUP Molecular Germline Variant Investigation Process 2024. Collection method: clinical testing. Allele origin: germline.

Women's Health and Genetics/Laboratory Corporation of America, LabCorp
Classification: Likely benign. Last evaluated: 2022-05-03. Review status: criteria provided, single submitter. Criteria: LabCorp Variant Classification Summary - May 2015. Collection method: clinical testing. Allele origin: germline.

Illumina Laboratory Services, Illumina
Classification: Benign for Autosomal recessive osteopetrosis 1. Last evaluated: 2018-01-12. Review status: criteria provided, single submitter. Criteria: ICSL Variant Classification Criteria 13 December 2019. Collection method: clinical testing. Allele origin: germline.
Comment: This variant was observed in the ICSL laboratory as part of a predisposition screen in an ostensibly healthy population. It had not been previously curated by ICSL or reported in the Human Gene Mutation Database (HGMD: prior to June 1st, 2018), and was therefore a candidate for classification through an automated scoring system. Utilizing variant allele frequency, disease prevalence and penetrance estimates, and inheritance mode, an automated score was calculated to assess if this variant is too frequent to cause the disease. Based on the score and internal cut-off values, a variant classified as benign is not then subjected to further curation. The score for this variant resulted in a classification of benign for this disease.

Breakthrough Genomics
Classification: Benign. Review status: criteria provided, single submitter. Criteria: ACMG Guidelines, 2015. Collection method: not provided. Allele origin: germline. Inheritance: Autosomal recessive inheritance. Affected: yes.

Natera, Inc.
Classification: Benign for Infantile malignant osteopetrosis. Last evaluated: 2020-04-16. Review status: no assertion criteria provided. Collection method: clinical testing. Allele origin: germline. Not counted in ClinVar's aggregate classification.

Clinical Genetics DNA and cytogenetics Diagnostics Lab, Erasmus MC, Erasmus Medical Center
Classification: Benign. Review status: no assertion criteria provided. Collection method: clinical testing. Allele origin: germline. Affected: yes. Study: VKGL Data-share Consensus. Not counted in ClinVar's aggregate classification.

Laboratory of Diagnostic Genome Analysis, Leiden University Medical Center (LUMC)
Classification: Likely benign. Review status: no assertion criteria provided. Collection method: clinical testing. Allele origin: germline. Affected: yes. Study: VKGL Data-share Consensus. Not counted in ClinVar's aggregate classification.

NM_006019.4(TCIRG1):c.2476G>A (p.Ala826Thr)

Gene: TCIRG1 (T cell immune regulator 1, ATPase H+ transporting V0 subunit a3; plus strand). Cytogenetic location: 11q13.2.
Variant type: single nucleotide variant.
Coding change: c.2476G>A on transcript NM_006019.4 (MANE Select); coding-DNA position 2476, G replaced by A.
Protein change: p.Ala826Thr; replaces alanine 826 with threonine.
Molecular consequence: missense variant.
Genome position (GRCh38, 1-based): chr11:68,050,802, G>A. VCF-style: chr11-68050802-G-A. GRCh37 (hg19) VCF-style: chr11-67818269-G-A.
Other names: c.1582G>A, p.Ala528Thr (NM_001351059.2); c.1828G>A, p.Ala610Thr (NM_006053.4); short protein forms A826T, A528T, A610T.
Identifiers: ClinVar variation 305824 (VCV000305824.21), dbSNP rs75596506, ClinGen allele CA6147554.